The following is an entry in ClinVar:

NM_001303256.3(MORC2):c.534C>G (p.Phe178Leu)

Gene: MORC2 (MORC family CW-type zinc finger 2; minus strand). Cytogenetic location: 22q12.2.
Variant type: single nucleotide variant.
Coding change: c.534C>G on transcript NM_001303256.3 (MANE Select); coding-DNA position 534, C replaced by G.
Protein change: p.Phe178Leu; replaces phenylalanine 178 with leucine.
Molecular consequence: missense variant.
Genome position (GRCh38, 1-based): chr22:30,942,164, G>C on the plus strand (C>G on the coding strand, the complement: MORC2 is on the minus strand). VCF-style: chr22-30942164-G-C. GRCh37 (hg19) VCF-style: chr22-31338151-G-C.
Other names: c.534C>G, p.Phe178Leu (NM_001303257.2); c.348C>G, p.Phe116Leu (NM_014941.3); short protein forms F116L, F178L.
Identifiers: ClinVar variation 3766414 (VCV003766414.1).

ClinVar aggregate classification (germline): Uncertain significance (1 of 4 stars; one submission).

gnomAD v4.1: 2 of 1,614,176 alleles (0.00012%); highest among the groups gnomAD compares: Non-Finnish European, 0.00017%; no homozygotes.

Submission:

GeneDx
Classification: Uncertain significance. Last evaluated: 2024-08-28. Review status: criteria provided, single submitter. Criteria: GeneDx Variant Classification Process June 2021. Collection method: clinical testing. Allele origin: germline. Affected: yes.
Comment: Not observed at significant frequency in large population cohorts (gnomAD); In silico analysis supports that this missense variant has a deleterious effect on protein structure/function; Has not been previously published as pathogenic or benign to our knowledge